The following is an entry in ClinVar:

NM_006346.4(PIBF1):c.1829A>T (p.Gln610Leu)

Gene: PIBF1 (progesterone immunomodulatory binding factor 1; plus strand). Cytogenetic location: 13q22.1.
Variant type: single nucleotide variant.
Coding change: c.1829A>T on transcript NM_006346.4 (MANE Select); coding-DNA position 1829, A replaced by T.
Protein change: p.Gln610Leu; replaces glutamine 610 with leucine.
Molecular consequence: missense variant. On other transcripts: non-coding transcript variant (2).
Genome position (GRCh38, 1-based): chr13:72,931,263, A>T. VCF-style: chr13-72931263-A-T. GRCh37 (hg19) VCF-style: chr13-73505401-A-T.
Other names: c.1916A>T, p.Gln639Leu (NM_001349655.2); short protein forms Q610L, Q639L.
Identifiers: ClinVar variation 2228716 (VCV002228716.2), dbSNP rs180729941, ClinGen allele CA7002404.

ClinVar aggregate classification (germline): Uncertain significance (1 of 4 stars; one submission).

Conditions:
Inborn genetic diseases. Identifiers: MedGen C0950123, MeSH D030342.

Allele frequency attached by ClinVar (database versions not stated): ExAC 0.00003; gnomAD 0.00005; 1000 Genomes Project 30x 0.00016; 1000 Genomes Project 0.00020; ESP Exome Variant Server 0.00031.
gnomAD v4.1: 18 of 1,585,530 alleles (0.0011%); highest among the groups gnomAD compares: African/African-American, 0.023%; no homozygotes.

Submission:

Ambry Genetics
Classification: Uncertain significance for Inborn genetic diseases. Last evaluated: 2021-01-06. Review status: criteria provided, single submitter. Criteria: Ambry Variant Classification Scheme 2023. Collection method: clinical testing. Allele origin: germline.
Comment: The c.1829A>T (p.Q610L) alteration is located in exon 14 (coding exon 13) of the PIBF1 gene. This alteration results from a A to T substitution at nucleotide position 1829, causing the glutamine (Q) at amino acid position 610 to be replaced by a leucine (L). The p.Q610L alteration is predicted to be tolerated by in silico analysis. Based on insufficient or conflicting evidence, the clinical significance of this alteration remains unclear.